The following is an entry in ClinVar:

NM_001387430.1(SH2B1):c.61C>T (p.Pro21Ser)

Gene: SH2B1 (SH2B adaptor protein 1; plus strand). Cytogenetic location: 16p11.2.
Variant type: single nucleotide variant.
Coding change: c.61C>T on transcript NM_001387430.1 (MANE Select); coding-DNA position 61, C replaced by T.
Protein change: p.Pro21Ser; replaces proline 21 with serine.
Molecular consequence: missense variant. On other transcripts: intron variant (1).
Genome position (GRCh38, 1-based): chr16:28,866,155, C>T. VCF-style: chr16-28866155-C-T. GRCh37 (hg19) VCF-style: chr16-28877476-C-T.
Other names: c.61C>T, p.Pro21Ser (NM_001145795.2, NM_001145796.2, NM_001145797.2 and 4 more transcripts); c.-26-1219C>T (NM_001308294.2); c.61C>T (NM_001145795.1); short protein forms P21S.
Identifiers: ClinVar variation 2075708 (VCV002075708.8), dbSNP rs756529856, ClinGen allele CA7985836.

ClinVar aggregate classification (germline): Uncertain significance. Review status: criteria provided, multiple submitters, no conflicts (2 of 4 stars). 3 submissions from 3 submitters: Uncertain significance (3). Last evaluated 2025-12-03.

Conditions:
SH2B1-related disorder. Also called: SH2B1-related condition.

Allele frequency attached by ClinVar (database versions not stated): gnomAD exomes 0.00002; gnomAD 0.00005.

Submissions (3):

PreventionGenetics, part of Exact Sciences
Classification: Uncertain significance for SH2B1-related condition. Last evaluated: 2025-12-03. Review status: criteria provided, single submitter. Criteria: ACMG Guidelines, 2015. Collection method: clinical testing. Allele origin: germline.
Comment: The SH2B1 c.61C>T variant is predicted to result in the amino acid substitution p.Pro21Ser. To our knowledge, this variant has not been reported in the literature. This variant is reported in 0.027% of alleles in individuals of Latino descent in gnomAD. At this time, the clinical significance of this variant is uncertain due to the absence of conclusive functional and genetic evidence.

Ambry Genetics
Classification: Uncertain significance. Last evaluated: 2025-10-14. Review status: criteria provided, single submitter. Criteria: Ambry Variant Classification Scheme 2023. Collection method: clinical testing. Allele origin: germline.

Labcorp Genetics (formerly Invitae), Labcorp
Classification: Uncertain significance. Last evaluated: 2022-07-24. Review status: criteria provided, single submitter. Criteria: Invitae Variant Classification Sherloc (09022015). Collection method: clinical testing. Allele origin: germline.
Comment: In summary, the available evidence is currently insufficient to determine the role of this variant in disease. Therefore, it has been classified as a Variant of Uncertain Significance. Algorithms developed to predict the effect of missense changes on protein structure and function are either unavailable or do not agree on the potential impact of this missense change (SIFT: "Tolerated"; PolyPhen-2: "Probably Damaging"; Align-GVGD: "Class C0"). This variant has not been reported in the literature in individuals affected with SH2B1-related conditions. This variant is present in population databases (rs756529856, gnomAD 0.03%). This sequence change replaces proline, which is neutral and non-polar, with serine, which is neutral and polar, at codon 21 of the SH2B1 protein (p.Pro21Ser).